The following is an entry in ClinVar:

NM_004655.4(AXIN2):c.1813G>A (p.Ala605Thr)

Gene: AXIN2 (axin 2; minus strand). Cytogenetic location: 17q24.1.
Variant type: single nucleotide variant.
Coding change: c.1813G>A on transcript NM_004655.4 (MANE Select); coding-DNA position 1813, G replaced by A.
Protein change: p.Ala605Thr; replaces alanine 605 with threonine.
Molecular consequence: missense variant. On other transcripts: intron variant (1).
Genome position (GRCh38, 1-based): chr17:65,536,963, C>T on the plus strand (G>A on the coding strand, the complement: AXIN2 is on the minus strand). VCF-style: chr17-65536963-C-T. GRCh37 (hg19) VCF-style: chr17-63533081-C-T.
Other names: c.1712+361G>A (NM_001363813.1); short protein forms A605T.
Identifiers: ClinVar variation 1780631 (VCV001780631.6), dbSNP rs763417360, ClinGen allele CA8718521.

ClinVar aggregate classification (germline): Uncertain significance. Review status: criteria provided, multiple submitters, no conflicts (2 of 4 stars). 2 submissions from 2 submitters: Uncertain significance (2). Last evaluated 2025-11-11.

Conditions:
Hereditary cancer-predisposing syndrome. Also called: Neoplastic Syndromes, Hereditary; Tumor predisposition; Hereditary Cancer Syndrome; Hereditary neoplastic syndrome. Identifiers: Orphanet 140162, MedGen C0027672, MeSH D009386, MONDO:0015356.
Oligodontia-cancer predisposition syndrome. Also called: TOOTH AGENESIS-COLORECTAL CANCER SYNDROME. Identifiers: Orphanet 300576, MedGen C1837750, MONDO:0012075, OMIM 608615. Disease mechanism: loss of function.

gnomAD v4.1: 4 of 1,613,332 alleles (0.00025%); highest among the groups gnomAD compares: South Asian, 0.0011%; no homozygotes.

Submissions (2):

Ambry Genetics
Classification: Uncertain significance for Hereditary cancer-predisposing syndrome. Last evaluated: 2025-11-11. Review status: criteria provided, single submitter. Criteria: Ambry Variant Classification Scheme 2023. Collection method: clinical testing. Allele origin: germline.
Comment: The p.A605T variant (also known as c.1813G>A), located in coding exon 6 of the AXIN2 gene, results from a G to A substitution at nucleotide position 1813. The alanine at codon 605 is replaced by threonine, an amino acid with similar properties. This amino acid position is not well conserved in available vertebrate species. In addition, this alteration is predicted to be tolerated by in silico analysis. Since supporting evidence is limited at this time, the clinical significance of this alteration remains unclear.

Labcorp Genetics (formerly Invitae), Labcorp
Classification: Uncertain significance for Oligodontia-cancer predisposition syndrome. Last evaluated: 2024-05-19. Review status: criteria provided, single submitter. Criteria: Invitae Variant Classification Sherloc (09022015). Collection method: clinical testing. Allele origin: germline.
Comment: This sequence change replaces alanine, which is neutral and non-polar, with threonine, which is neutral and polar, at codon 605 of the AXIN2 protein (p.Ala605Thr). This variant is present in population databases (rs763417360, gnomAD 0.003%). This variant has not been reported in the literature in individuals affected with AXIN2-related conditions. ClinVar contains an entry for this variant (Variation ID: 1780631). Algorithms developed to predict the effect of missense changes on protein structure and function output the following: SIFT: "Not Available"; PolyPhen-2: "Benign"; Align-GVGD: "Not Available". The threonine amino acid residue is found in multiple mammalian species, which suggests that this missense change does not adversely affect protein function. In summary, the available evidence is currently insufficient to determine the role of this variant in disease. Therefore, it has been classified as a Variant of Uncertain Significance.